The following is an entry in ClinVar:

NM_001267550.2(TTN):c.13899A>G (p.Lys4633=)

Gene: TTN (titin; minus strand). Cytogenetic location: 2q31.2.
Variant type: single nucleotide variant.
Coding change: c.13899A>G on transcript NM_001267550.2 (MANE Select); coding-DNA position 13899, A replaced by G.
Protein change: p.Lys4633=; no amino-acid change (lysine 4633 retained).
Molecular consequence: synonymous variant. On other transcripts: intron variant (1).
Genome position (GRCh38, 1-based): chr2:178,739,334, T>C on the plus strand (A>G on the coding strand, the complement: TTN is on the minus strand). VCF-style: chr2-178739334-T-C. GRCh37 (hg19) VCF-style: chr2-179604061-T-C.
Other names: c.12948A>G, p.Lys4316= (NM_001256850.1); c.12810A>G, p.Lys4270= (NM_003319.4); c.13185A>G, p.Lys4395= (NM_133432.3); c.13386A>G, p.Lys4462= (NM_133437.4); c.10361-974A>G (NM_133378.4).
Identifiers: ClinVar variation 514527 (VCV000514527.4), dbSNP rs539117866, ClinGen allele CA2002508.
Genomic context (GRCh38, chr2:178,739,334, plus strand): 5'-TAAACACTTGAACTTTTCATCTGAAGGCACCAGTTTATTCTCAAAATACCAATTCACCTC[T>C]TTAGCATTTGTTATGGATGTTGTGAGGTGTACAATATCACCTTCCTCAGAAACAGTGTCC-3'
Protein context (NP_001254479.2, residues 4623-4643): VHLTTSITNA[Lys4633=]EVNWYFENKL

ClinVar aggregate classification (germline): Likely benign. Review status: criteria provided, multiple submitters, no conflicts (2 of 4 stars). 3 submissions from 3 submitters: Likely benign (3). Last evaluated 2025-09-27.

Conditions:
Cardiovascular phenotype. Identifiers: MedGen CN230736.
Autosomal recessive limb-girdle muscular dystrophy type 2J (LGMDR10). Also called: MUSCULAR DYSTROPHY, LIMB-GIRDLE, AUTOSOMAL RECESSIVE 10; Limb-girdle muscular dystrophy, type 2J. Identifiers: Orphanet 140922, MedGen C1837342, MONDO:0012127, OMIM 608807.
Dilated cardiomyopathy 1G (CMD1G). Identifiers: Orphanet 154, MedGen C1858763, MONDO:0011400, OMIM 604145.

Allele frequency attached by ClinVar (database versions not stated): gnomAD 0.00001 and 0.00002; gnomAD exomes 0.00001; ExAC 0.00002; 1000 Genomes Project 30x 0.00016; 1000 Genomes Project 0.00020.
gnomAD v4.1: 3 of 1,613,834 alleles (0.00019%); highest among the groups gnomAD compares: African/African-American, 0.004%; no homozygotes.

Submissions (3):

Labcorp Genetics (formerly Invitae), Labcorp
Classification: Likely benign for Dilated cardiomyopathy 1G; Autosomal recessive limb-girdle muscular dystrophy type 2J. Last evaluated: 2025-09-27. Review status: criteria provided, single submitter. Criteria: Invitae Variant Classification Sherloc (09022015). Collection method: clinical testing. Allele origin: germline.

Ambry Genetics
Classification: Likely benign for Cardiovascular phenotype. Last evaluated: 2019-10-29. Review status: criteria provided, single submitter. Criteria: Ambry Variant Classification Scheme 2023. Collection method: clinical testing. Allele origin: germline.

GeneDx
Classification: Likely benign. Last evaluated: 2018-01-05. Review status: criteria provided, single submitter. Criteria: GeneDx Variant Classification (06012015). Collection method: clinical testing. Allele origin: germline. Affected: yes.
Comment: This variant is considered likely benign or benign based on one or more of the following criteria: it is a conservative change, it occurs at a poorly conserved position in the protein, it is predicted to be benign by multiple in silico algorithms, and/or has population frequency not consistent with disease.